The following is an entry in ClinVar:

ClinVar aggregate classification (germline): Uncertain significance. Review status: criteria provided, multiple submitters, no conflicts (2 of 4 stars). 2 submissions from 2 submitters: Uncertain significance (2). Last evaluated 2025-02-12.

Conditions:
Cardiovascular phenotype. Identifiers: MedGen CN230736.
ANKRD1-related dilated cardiomyopathy. Identifiers: MedGen CN119551.

Allele frequency attached by ClinVar (database versions not stated): gnomAD 0.00001; ExAC 0.00002; TOPMed 0.00002.

Submissions (2):

Labcorp Genetics (formerly Invitae), Labcorp
Classification: Uncertain significance for ANKRD1-related dilated cardiomyopathy. Last evaluated: 2025-02-12. Review status: criteria provided, single submitter. Criteria: Invitae Variant Classification Sherloc (09022015). Collection method: clinical testing. Allele origin: germline.
Comment: This sequence change replaces tyrosine, which is neutral and polar, with cysteine, which is neutral and slightly polar, at codon 265 of the ANKRD1 protein (p.Tyr265Cys). The frequency data for this variant in the population databases is considered unreliable, as metrics indicate poor data quality at this position in the gnomAD database. This variant has not been reported in the literature in individuals affected with ANKRD1-related conditions. ClinVar contains an entry for this variant (Variation ID: 1761348). Invitae Evidence Modeling of protein sequence and biophysical properties (such as structural, functional, and spatial information, amino acid conservation, physicochemical variation, residue mobility, and thermodynamic stability) indicates that this missense variant is not expected to disrupt ANKRD1 protein function with a negative predictive value of 80%. In summary, the available evidence is currently insufficient to determine the role of this variant in disease. Therefore, it has been classified as a Variant of Uncertain Significance.

Ambry Genetics
Classification: Uncertain significance for Cardiovascular phenotype. Last evaluated: 2022-04-25. Review status: criteria provided, single submitter. Criteria: Ambry Variant Classification Scheme 2023. Collection method: clinical testing. Allele origin: germline.
Comment: The p.Y265C variant (also known as c.794A>G), located in coding exon 8 of the ANKRD1 gene, results from an A to G substitution at nucleotide position 794. The tyrosine at codon 265 is replaced by cysteine, an amino acid with highly dissimilar properties. This amino acid position is conserved. In addition, the in silico prediction for this alteration is inconclusive. Since supporting evidence is limited at this time, the clinical significance of this alteration remains unclear.

NM_014391.3(ANKRD1):c.794A>G (p.Tyr265Cys)

Gene: ANKRD1 (ankyrin repeat domain 1; minus strand). Cytogenetic location: 10q23.31.
Variant type: single nucleotide variant.
Coding change: c.794A>G on transcript NM_014391.3 (MANE Select); coding-DNA position 794, A replaced by G.
Protein change: p.Tyr265Cys; replaces tyrosine 265 with cysteine.
Molecular consequence: missense variant.
Genome position (GRCh38, 1-based): chr10:90,915,598, T>C on the plus strand (A>G on the coding strand, the complement: ANKRD1 is on the minus strand). VCF-style: chr10-90915598-T-C. GRCh37 (hg19) VCF-style: chr10-92675355-T-C.
Other names: short protein forms Y265C.
Identifiers: ClinVar variation 1761348 (VCV001761348.7), dbSNP rs766909540, ClinGen allele CA5598605.